The following is an entry in ClinVar:

NM_000062.3(SERPING1):c.808A>G (p.Thr270Ala)

Gene: SERPING1 (serpin family G member 1; plus strand). Cytogenetic location: 11q12.1.
Variant type: single nucleotide variant.
Coding change: c.808A>G on transcript NM_000062.3 (MANE Select); coding-DNA position 808, A replaced by G.
Protein change: p.Thr270Ala; replaces threonine 270 with alanine.
Molecular consequence: missense variant.
Genome position (GRCh38, 1-based): chr11:57,606,132, A>G. VCF-style: chr11-57606132-A-G. GRCh37 (hg19) VCF-style: chr11-57373605-A-G.
Other names: c.808A>G, p.Thr270Ala (NM_001032295.2); short protein forms T270A.
Identifiers: ClinVar variation 1466520 (VCV001466520.8), dbSNP rs1590826505, ClinGen allele CA380699336.
Genomic context (GRCh38, chr11:57,606,132, plus strand): 5'-GTCCTAAGCAACAACAGTGACGCCAACTTGGAGCTCATCAACACCTGGGTGGCCAAGAAC[A>G]CCAACAACAAGATCAGCCGGCTGCTAGACAGTCTGCCCTCCGATACCCGCCTTGTCCTCC-3'
Protein context (NP_000053.2, residues 260-280): ELINTWVAKN[Thr270Ala]NNKISRLLDS

ClinVar aggregate classification (germline): Uncertain significance (1 of 4 stars; one submission).

Submission:

Labcorp Genetics (formerly Invitae), Labcorp
Classification: Uncertain significance. Last evaluated: 2024-07-29. Review status: criteria provided, single submitter. Criteria: Invitae Variant Classification Sherloc (09022015). Collection method: clinical testing. Allele origin: germline.
Comment: This sequence change replaces threonine, which is neutral and polar, with alanine, which is neutral and non-polar, at codon 270 of the SERPING1 protein (p.Thr270Ala). This variant is not present in population databases (gnomAD no frequency). This variant has not been reported in the literature in individuals affected with SERPING1-related conditions. ClinVar contains an entry for this variant (Variation ID: 1466520). Advanced modeling of protein sequence and biophysical properties (such as structural, functional, and spatial information, amino acid conservation, physicochemical variation, residue mobility, and thermodynamic stability) has been performed at Invitae for this missense variant, however the output from this modeling did not meet the statistical confidence thresholds required to predict the impact of this variant on SERPING1 protein function. In summary, the available evidence is currently insufficient to determine the role of this variant in disease. Therefore, it has been classified as a Variant of Uncertain Significance.